The following is an entry in ClinVar:

NM_001943.5(DSG2):c.614C>T (p.Pro205Leu)

Gene: DSG2 (desmoglein 2; plus strand). Cytogenetic location: 18q12.1.
Variant type: single nucleotide variant.
Coding change: c.614C>T on transcript NM_001943.5 (MANE Select); coding-DNA position 614, C replaced by T.
Protein change: p.Pro205Leu; replaces proline 205 with leucine.
Molecular consequence: missense variant.
Genome position (GRCh38, 1-based): chr18:31,522,173, C>T. VCF-style: chr18-31522173-C-T. GRCh37 (hg19) VCF-style: chr18-29102136-C-T.
Other names: short protein forms P205L.
Identifiers: ClinVar variation 925732 (VCV000925732.6), dbSNP rs760896926, ClinGen allele CA049540.
Genomic context (GRCh38, chr18:31,522,173, plus strand): 5'-ATGCAGATGAGCCCAATACCCTGAATTCGAAAATTTCCTATAGAATCGTATCTCTGGAGC[C>T]TGCTTATCCTCCAGTGTTCTACCTAAATAAAGATACAGGAGAGATTTATACAACCAGTGT-3'
Protein context (NP_001934.2, residues 195-215): KISYRIVSLE[Pro205Leu]AYPPVFYLNK

ClinVar aggregate classification (germline): Uncertain significance. Review status: criteria provided, multiple submitters, no conflicts (2 of 4 stars). 2 submissions from 2 submitters: Uncertain significance (2). Last evaluated 2023-10-06.

Conditions:
Cardiomyopathy (CMYO). Also called: Cardiomyopathies. Identifiers: Orphanet 167848, MedGen C0878544, MONDO:0004994, HP:0001638. Inheritance: Various modes of inheritance.
Arrhythmogenic right ventricular cardiomyopathy (ARVD). Also called: Arrhythmogenic cardiomyopathy; Cardiomyopathy, ARVC; Arrhythmogenic right ventricular dysplasia; Arrhythmogenic Right Ventricular Cardiomyopathy (ARVC). Identifiers: Orphanet 247, MedGen C0349788, MeSH D019571, MONDO:0016587. Disease mechanism: loss of function. Inheritance: Various modes of inheritance.

Allele frequency attached by ClinVar (database versions not stated): gnomAD exomes below 0.00001; ExAC 0.00001.
gnomAD v4.1: 1 of 1,613,340 alleles (0.000062%); highest among the groups gnomAD compares: Non-Finnish European, 0.000085%; no homozygotes.

Submissions (2):

All of Us Research Program, National Institutes of Health
Classification: Uncertain significance for Arrhythmogenic right ventricular cardiomyopathy. Last evaluated: 2023-10-06. Review status: criteria provided, single submitter. Criteria: ACMG Guidelines, 2015. Collection method: clinical testing. Allele origin: germline. Inheritance: Autosomal dominant inheritance. Observed: 1 variant allele, 1 heterozygote.
Comment: This missense variant replaces proline with leucine at codon 205 of the DSG2 protein. Computational prediction suggests that this variant may not impact protein structure and function (internally defined REVEL score threshold <= 0.5, PMID: 27666373). Splice site prediction tools suggest that this variant may not impact RNA splicing. To our knowledge, functional studies have not been performed for this variant. This variant has been reported in individuals affected with arrhythmogenic right ventricular cardiomyopathy (PMID: 20031616, 21606396, 21636032, 23871674). This variant has also been identified in 1/249424 chromosomes in the general population by the Genome Aggregation Database (gnomAD). The available evidence is insufficient to determine the role of this variant in disease conclusively. Therefore, this variant is classified as a Variant of Uncertain Significance.

This study involves interpretation of variants in research participants for the purpose of population health screening. Participant phenotype was not available at the time of variant classification. Additional details can be found in publication PMID: 35346344, PMCID: PMC8962531

Color Diagnostics, LLC DBA Color Health
Classification: Uncertain significance for Cardiomyopathy. Last evaluated: 2023-09-29. Review status: criteria provided, single submitter. Criteria: ACMG Guidelines, 2015. Collection method: clinical testing. Allele origin: germline.
Comment: This missense variant replaces proline with leucine at codon 205 of the DSG2 protein. Computational prediction suggests that this variant may not impact protein structure and function (internally defined REVEL score threshold <= 0.5, PMID: 27666373). To our knowledge, functional studies have not been performed for this variant. This variant has been reported in at least one individual affected with arrhythmogenic right ventricular cardiomyopathy (PMID: 20031616, 21606396, 21636032, 23871674, 25820315, 37418234). This variant has also been identified in 1/249424 chromosomes in the general population by the Genome Aggregation Database (gnomAD). The available evidence is insufficient to determine the role of this variant in disease conclusively. Therefore, this variant is classified as a Variant of Uncertain Significance.

Literature cited by the submitters: PubMed 20031616 (cited by All of Us Research Program, National Institutes of Health and Color Diagnostics, LLC DBA Color Health); PubMed 21606396 (cited by All of Us Research Program, National Institutes of Health and Color Diagnostics, LLC DBA Color Health); PubMed 21636032 (cited by All of Us Research Program, National Institutes of Health and Color Diagnostics, LLC DBA Color Health); PubMed 23871674 (cited by All of Us Research Program, National Institutes of Health and Color Diagnostics, LLC DBA Color Health); PubMed 25820315 (cited by Color Diagnostics, LLC DBA Color Health); PubMed 37418234 (cited by Color Diagnostics, LLC DBA Color Health).